The following is an entry in ClinVar:

ClinVar aggregate classification (germline): Benign/Likely benign. Review status: criteria provided, multiple submitters, no conflicts (2 of 4 stars). 3 submissions from 3 submitters: Benign (1); Likely benign (1). 1 of the submissions does not count toward it. Last evaluated 2026-01-01.

Conditions:
PAX8-related disorder. Also called: PAX8-related condition.

Allele frequency attached by ClinVar (database versions not stated): gnomAD 0.00003 and 0.00031; TOPMed 0.00005; gnomAD exomes 0.00039 and 0.00076; ExAC 0.00084; 1000 Genomes Project 30x 0.00094; 1000 Genomes Project 0.00120.
gnomAD v4.1: 610 of 1,613,854 alleles (0.038%); highest among the groups gnomAD compares: South Asian, 0.6%; 7 homozygotes.

Submissions (3):

CeGaT Center for Human Genetics Tuebingen
Classification: Likely benign. Last evaluated: 2026-01-01. Review status: criteria provided, single submitter. Criteria: CeGaT Center For Human Genetics Tuebingen Variant Classification Criteria Version 2. Collection method: clinical testing. Allele origin: germline. Affected: yes. Observed: 1 variant allele.
Comment: PAX8: BP4, BP7

Labcorp Genetics (formerly Invitae), Labcorp
Classification: Benign. Last evaluated: 2019-12-31. Review status: criteria provided, single submitter. Criteria: Invitae Variant Classification Sherloc (09022015). Collection method: clinical testing. Allele origin: germline.

PreventionGenetics, part of Exact Sciences
Classification: Likely benign for PAX8-related condition. Last evaluated: 2019-02-22. Review status: no assertion criteria provided. Collection method: clinical testing. Allele origin: germline. Not counted in ClinVar's aggregate classification.
Comment: This variant is classified as likely benign based on ACMG/AMP sequence variant interpretation guidelines (Richards et al. 2015 PMID: 25741868, with internal and published modifications).

NM_003466.4(PAX8):c.372T>C (p.Ser124=)

Genes: PAX8 (paired box 8; minus strand), PAX8-AS1 (PAX8 antisense RNA 1; plus strand). Cytogenetic location: 2q14.1.
Variant type: single nucleotide variant.
Coding change: c.372T>C on transcript NM_003466.4 (MANE Select); coding-DNA position 372, T replaced by C.
Protein change: p.Ser124=; no amino-acid change (serine 124 retained).
Molecular consequence: synonymous variant.
Genome position (GRCh38, 1-based): chr2:113,244,444, A>G on the plus strand (T>C on the coding strand, the complement: PAX8 is on the minus strand). VCF-style: chr2-113244444-A-G. GRCh37 (hg19) VCF-style: chr2-114002021-A-G.
Other names: c.372T>C, p.Ser124= (NM_013952.4, NM_013953.4, NM_013992.4).
Identifiers: ClinVar variation 702546 (VCV000702546.10), dbSNP rs374229935, ClinGen allele CA1840278.